The following is an entry in ClinVar:

ClinVar aggregate classification (germline): Pathogenic (1 of 4 stars; one submission).

Conditions:
Hajdu-Cheney syndrome (HJCYS). Also called: ACROOSTEOLYSIS WITH OSTEOPOROSIS AND CHANGES IN SKULL AND MANDIBLE; Acroosteolysis dominant type; SERPENTINE FIBULA-POLYCYSTIC KIDNEY SYNDROME. Identifiers: Orphanet 955, MedGen C0917715, MONDO:0007057, OMIM 102500.

Submission:

Labcorp Genetics (formerly Invitae), Labcorp
Classification: Pathogenic for Hajdu-Cheney syndrome. Last evaluated: 2024-03-16. Review status: criteria provided, single submitter. Criteria: Invitae Variant Classification Sherloc (09022015). Collection method: clinical testing. Allele origin: germline.
Comment: This sequence change creates a premature translational stop signal (p.Phe646Leufs*56) in the NOTCH2 gene. It is expected to result in an absent or disrupted protein product. Loss-of-function variants in NOTCH2 are known to be pathogenic (PMID: 16773578, 22209762). This variant is not present in population databases (gnomAD no frequency). This variant has not been reported in the literature in individuals affected with NOTCH2-related conditions. For these reasons, this variant has been classified as Pathogenic.

Literature cited by the submitters: PubMed 16773578; PubMed 22209762.

NM_024408.4(NOTCH2):c.1938del (p.Phe646fs)

Gene: NOTCH2 (notch receptor 2; minus strand). Cytogenetic location: 1p12.
Variant type: Deletion.
Coding change: c.1938del on transcript NM_024408.4 (MANE Select); coding-DNA position 1938, one base deleted (T; older notation c.1938delT).
Protein change: p.Phe646fs; shifts the reading frame from phenylalanine 646.
Molecular consequence: frameshift variant.
Genome position (GRCh38, 1-based): chr1:119,959,480, A deleted on the plus strand (T on the coding strand, the reverse complement: NOTCH2 is on the minus strand); the first of 4 consecutive A bases (chr1:119,959,480-119,959,483); deleting any one gives the same sequence. VCF-style (leftmost placement, unchanged base first): chr1-119959479-CA-C. GRCh37 (hg19) VCF-style: chr1-120502102-CA-C.
Other names: c.1938del, p.Phe646fs (NM_001200001.2); short protein forms F646fs.
Identifiers: ClinVar variation 3673622 (VCV003673622.2).